The following continues an entry in ClinVar:

NM_000059.4(BRCA2):c.8917C>T (p.Arg2973Cys)

Gene: BRCA2. ClinVar aggregate classification (germline): Benign. Benign (1).

Submission 20 of 20:

Department of Pathology and Laboratory Medicine, Sinai Health System
Classification: Likely benign. Review status: no assertion criteria provided. Collection method: clinical testing. Allele origin: unknown. Affected: yes. Study: The Canadian Open Genetics Repository (COGR). Not counted in ClinVar's aggregate classification.
Comment: The BRCA2 p.Arg2973Cys variant was identified in 5 of 3808 proband chromosomes (frequency: 0.001) from individuals or families with breast or pancreatic cancer and was present in 1 of 1144 control chromosomes (frequency: 0.0009) from healthy individuals (Lee 2008, Spearman 2008, Grant 2015, Ricks-Santi 2017). The variant was identified in dbSNP (rs45469092) as â€šÃ„Ãºwith uncertain significance alleleâ€šÃ„Ã¹, ClinVar (classified as benign by Ambry Genetics, GeneDx, ENIGMA, Color and 3 other submitters; as likely benign by Invitae, Counsyl, Prevention Genetics and 2 other submitters; and as uncertain significance by BIC and NIH), LOVD 3.0 (observed 10x) and UMD-LSDB (observed 1x). The variant was identified in control databases in 7 of 280,740 chromosomes at a frequency of 0.00003 (Genome Aggregation Database Feb 27, 2017). The variant was observed in the following populations: Other in 1 of 7162 chromosomes (freq: 0.0001) and European in 6 of 127,866 chromosomes (freq: 0.00005); it was not observed in the African, Latino , Ashkenazi Jewish, East Asian, Finnish, or South Asian populations. In vitro expression of the variant demonstrated no effect on homology directed repair activity or induction of centrosome amplification (Farrugia 2008, Guidugli 2013). The variant was reported in ClinVar by another clinical laboratory to have been identified in an individual with a co-occurring pathogenic BRCA1 variant (p.Glu23fs*17), decreasing the likelihood that this variant has clinical significance (Integrated Genetics/Laboratory Corporation of America ClinVar submission dated May 31, 2018). The p.Arg2973 residue is conserved in mammals and computational analyses (PolyPhen-2, SIFT, AlignGVGD, BLOSUM, MutationTaster) provide inconsistent predictions regarding the impact to the protein; this information is not very predictive of pathogenicity. The variant occurs outside of the splicing consensus sequence and 1 of 4 in silico or computational prediction software programs (SpliceSiteFinder, MaxEntScan, NNSPLICE, GeneSplicer) predict a greater than 10% difference in splicing; this is not very predictive of pathogenicity. In summary, based on the above information, the clinical significance of this variant cannot be determined with certainty at this time although we would lean towards a more benign role for this variant. This variant is classified as likely benign.

Literature cited by the submitters: PubMed 23108138 (cited by 3 submitters); PubMed 17924331 (cited by 3 submitters); PubMed 18451181 (cited by 3 submitters); PubMed 18824701 (cited by 3 submitters); PubMed 30611917 (cited by Quest Diagnostics Nichols Institute San Juan Capistrano and Women's Health and Genetics/Laboratory Corporation of America, LabCorp); PubMed 29884841 (cited by Quest Diagnostics Nichols Institute San Juan Capistrano and Women's Health and Genetics/Laboratory Corporation of America, LabCorp); PubMed 28678401 (cited by Quest Diagnostics Nichols Institute San Juan Capistrano and Women's Health and Genetics/Laboratory Corporation of America, LabCorp); PubMed 33471991 (cited by Quest Diagnostics Nichols Institute San Juan Capistrano); PubMed 28439188 (cited by Quest Diagnostics Nichols Institute San Juan Capistrano and Women's Health and Genetics/Laboratory Corporation of America, LabCorp); PubMed 21990134 (cited by 3 submitters); PubMed 18284688 (cited by Women's Health and Genetics/Laboratory Corporation of America, LabCorp); PubMed 24323938 (cited by Women's Health and Genetics/Laboratory Corporation of America, LabCorp); PubMed 22476429 (cited by Women's Health and Genetics/Laboratory Corporation of America, LabCorp); PubMed 18418466 (cited by Women's Health and Genetics/Laboratory Corporation of America, LabCorp and Counsyl); PubMed 25479140 (cited by Women's Health and Genetics/Laboratory Corporation of America, LabCorp); PubMed 29580235 (cited by Women's Health and Genetics/Laboratory Corporation of America, LabCorp); PubMed 29988080 (cited by Women's Health and Genetics/Laboratory Corporation of America, LabCorp); PubMed 29394989 (cited by Women's Health and Genetics/Laboratory Corporation of America, LabCorp); PubMed 30541756 (cited by Women's Health and Genetics/Laboratory Corporation of America, LabCorp); PubMed 22771033 (cited by Counsyl); PubMed 23415752 (cited by Counsyl); PubMed 19043619 (cited by Counsyl).